The following is an entry in ClinVar:

NM_006073.4(TRDN):c.2150G>A (p.Gly717Asp)

Gene: TRDN (triadin; minus strand). Cytogenetic location: 6q22.31.
Variant type: single nucleotide variant.
Coding change: c.2150G>A on transcript NM_006073.4 (MANE Select); coding-DNA position 2150, G replaced by A.
Protein change: p.Gly717Asp; replaces glycine 717 with aspartic acid.
Molecular consequence: missense variant.
Genome position (GRCh38, 1-based): chr6:123,218,641, C>T on the plus strand (G>A on the coding strand, the complement: TRDN is on the minus strand). VCF-style: chr6-123218641-C-T. GRCh37 (hg19) VCF-style: chr6-123539786-C-T.
Other names: short protein forms G717D.
Identifiers: ClinVar variation 1786743 (VCV001786743.3), dbSNP rs1010894323, ClinGen allele CA147201580.

ClinVar aggregate classification (germline): Uncertain significance (1 of 4 stars; one submission).

Conditions:
Cardiovascular phenotype. Identifiers: MedGen CN230736.

gnomAD v4.1: 22 of 1,611,526 alleles (0.0014%); highest among the groups gnomAD compares: Non-Finnish European, 0.0017%; no homozygotes.

Submission:

Ambry Genetics
Classification: Uncertain significance for Cardiovascular phenotype. Last evaluated: 2024-10-08. Review status: criteria provided, single submitter. Criteria: Ambry Variant Classification Scheme 2023. Collection method: clinical testing. Allele origin: germline.
Comment: The p.G717D variant (also known as c.2150G>A), located in coding exon 41 of the TRDN gene, results from a G to A substitution at nucleotide position 2150. The glycine at codon 717 is replaced by aspartic acid, an amino acid with similar properties. This amino acid position is not well conserved in available vertebrate species. In addition, this alteration is predicted to be tolerated by in silico analysis. Since supporting evidence is limited at this time, the clinical significance of this alteration remains unclear.